The following is an entry in ClinVar:

ClinVar aggregate classification (germline): Likely benign (0 of 4 stars; one submission).

Conditions:
TREH-related disorder. Also called: TREH-related condition.

Allele frequency attached by ClinVar (database versions not stated): ExAC 0.00009; gnomAD 0.00033; TOPMed 0.00081; 1000 Genomes Project 0.00100; 1000 Genomes Project 30x 0.00125.
gnomAD v4.1: 134 of 1,548,772 alleles (0.0087%); highest among the groups gnomAD compares: Admixed American, 0.096%; 1 homozygote.

Submission:

PreventionGenetics, part of Exact Sciences
Classification: Likely benign for TREH-related condition. Last evaluated: 2020-11-30. Review status: no assertion criteria provided. Collection method: clinical testing. Allele origin: germline.
Comment: This variant is classified as likely benign based on ACMG/AMP sequence variant interpretation guidelines (Richards et al. 2015 PMID: 25741868, with internal and published modifications).

NM_007180.3(TREH):c.424-9C>T

Gene: TREH (trehalase; minus strand). Cytogenetic location: 11q23.3.
Variant type: single nucleotide variant.
Coding change: c.424-9C>T on transcript NM_007180.3 (MANE Select); 9 bases into the intron before coding-DNA position 424, C replaced by T.
Molecular consequence: intron variant.
Genome position (GRCh38, 1-based): chr11:118,661,999, G>A on the plus strand (C>T on the coding strand, the complement: TREH is on the minus strand). VCF-style: chr11-118661999-G-A. GRCh37 (hg19) VCF-style: chr11-118532708-G-A.
Other names: c.424-9C>T (NM_001301065.2).
Identifiers: ClinVar variation 3051788 (VCV003051788.2), dbSNP rs181334055, ClinGen allele CA6308117.